The following is an entry in ClinVar:

NM_153704.6(TMEM67):c.1906G>T (p.Val636Leu)

Gene: TMEM67 (transmembrane protein 67; plus strand). Cytogenetic location: 8q22.1.
Variant type: single nucleotide variant.
Coding change: c.1906G>T on transcript NM_153704.6 (MANE Select); coding-DNA position 1906, G replaced by T.
Protein change: p.Val636Leu; replaces valine 636 with leucine.
Molecular consequence: missense variant. On other transcripts: non-coding transcript variant (1).
Genome position (GRCh38, 1-based): chr8:93,797,179, G>T. VCF-style: chr8-93797179-G-T. GRCh37 (hg19) VCF-style: chr8-94809407-G-T.
Other names: c.1663G>T, p.Val555Leu (NM_001142301.1); short protein forms V636L, V555L.
Identifiers: ClinVar variation 2140028 (VCV002140028.3), dbSNP rs903869941, ClinGen allele CA371693278.

ClinVar aggregate classification (germline): Uncertain significance (1 of 4 stars; one submission).

Conditions:
Joubert syndrome. Also called: CEREBELLOPARENCHYMAL DISORDER IV; JOUBERT-BOLTSHAUSER SYNDROME; Familial aplasia of the vermis. Identifiers: Orphanet 475, MedGen C5979921, MONDO:0018772.
Meckel-Gruber syndrome. Also called: DYSENCEPHALIA SPLANCHNOCYSTICA; GRUBER SYNDROME; Dysencephalia splachnocystica. Identifiers: Orphanet 564, MedGen C0265215, MONDO:0018921.

Submission:

Labcorp Genetics (formerly Invitae), Labcorp
Classification: Uncertain significance for Joubert syndrome; Meckel-Gruber syndrome. Last evaluated: 2022-05-21. Review status: criteria provided, single submitter. Criteria: Invitae Variant Classification Sherloc (09022015). Collection method: clinical testing. Allele origin: germline.
Comment: This variant is not present in population databases (gnomAD no frequency). In summary, the available evidence is currently insufficient to determine the role of this variant in disease. Therefore, it has been classified as a Variant of Uncertain Significance. Algorithms developed to predict the effect of sequence changes on RNA splicing suggest that this variant may disrupt the consensus splice site. Advanced modeling of protein sequence and biophysical properties (such as structural, functional, and spatial information, amino acid conservation, physicochemical variation, residue mobility, and thermodynamic stability) performed at Invitae indicates that this missense variant is not expected to disrupt TMEM67 protein function. This variant has not been reported in the literature in individuals affected with TMEM67-related conditions. This sequence change replaces valine, which is neutral and non-polar, with leucine, which is neutral and non-polar, at codon 636 of the TMEM67 protein (p.Val636Leu).